The following is an entry in ClinVar:

ClinVar aggregate classification (germline): Conflicting classifications of pathogenicity. Review status: criteria provided, conflicting classifications (1 of 4 stars). 6 submissions from 6 submitters: Uncertain significance (1); Likely benign (4). 1 of the submissions does not count toward it. Last evaluated 2026-10-01.

Conditions:
Microcephaly 3, primary, autosomal recessive. Identifiers: Orphanet 2512, MedGen C1858108, MONDO:0011488, OMIM 604804.
CDK5RAP2-related disorder. Also called: CDK5RAP2-related condition.

Allele frequency attached by ClinVar (database versions not stated): 1000 Genomes Project 0.00060; 1000 Genomes Project 30x 0.00078; ExAC 0.00124; gnomAD 0.00127 and 0.00129; ESP Exome Variant Server 0.00131; TOPMed 0.00133; gnomAD exomes 0.00135 and 0.00160.
gnomAD v4.1: 2,560 of 1,613,964 alleles (0.16%); highest among the groups gnomAD compares: Middle Eastern, 0.45%; 10 homozygotes.

Submissions (6):

CeGaT Center for Human Genetics Tuebingen
Classification: Likely benign. Last evaluated: 2026-10-01. Review status: criteria provided, single submitter. Criteria: CeGaT Center For Human Genetics Tuebingen Variant Classification Criteria Version 2. Collection method: clinical testing. Allele origin: germline. Affected: yes. Observed: 9 variant alleles.
Comment: CDK5RAP2: BP4, BS2

Labcorp Genetics (formerly Invitae), Labcorp
Classification: Likely benign. Last evaluated: 2026-01-22. Review status: criteria provided, single submitter. Criteria: Invitae Variant Classification Sherloc (09022015). Collection method: clinical testing. Allele origin: germline.

Blueprint Genetics
Classification: Likely benign. Last evaluated: 2024-11-25. Review status: criteria provided, single submitter. Criteria: ACMG Guidelines, 2015. Collection method: clinical testing. Allele origin: germline.

GeneDx
Classification: Likely benign. Last evaluated: 2021-01-20. Review status: criteria provided, single submitter. Criteria: GeneDx Variant Classification Process June 2021. Collection method: clinical testing. Allele origin: germline. Affected: yes.

Illumina Laboratory Services, Illumina
Classification: Uncertain significance for Microcephaly 3, primary, autosomal recessive. Last evaluated: 2017-06-26. Review status: criteria provided, single submitter. Criteria: ICSL Variant Classification Criteria 13 December 2019. Collection method: clinical testing. Allele origin: germline.
Comment: This variant was observed as part of a predisposition screen in an ostensibly healthy population. A literature search was performed for the gene, cDNA change, and amino acid change (where applicable). Publications were found based on this search. However, the evidence from the literature, in combination with allele frequency data from public databases where available, was not sufficient to rule this variant in or out of causing disease. Therefore, this variant is classified as a variant of unknown significance.

PreventionGenetics, part of Exact Sciences
Classification: Likely benign for CDK5RAP2-related condition. Last evaluated: 2020-07-23. Review status: no assertion criteria provided. Collection method: clinical testing. Allele origin: germline. Not counted in ClinVar's aggregate classification.
Comment: This variant is classified as likely benign based on ACMG/AMP sequence variant interpretation guidelines (Richards et al. 2015 PMID: 25741868, with internal and published modifications).

Literature cited by the submitters: PubMed 27391121 (cited by Illumina Laboratory Services, Illumina).

NM_018249.6(CDK5RAP2):c.412G>A (p.Gly138Ser)

Gene: CDK5RAP2 (CDK5 regulatory subunit associated protein 2; minus strand). Cytogenetic location: 9q33.2.
Variant type: single nucleotide variant.
Coding change: c.412G>A on transcript NM_018249.6 (MANE Select); coding-DNA position 412, G replaced by A.
Protein change: p.Gly138Ser; replaces glycine 138 with serine.
Molecular consequence: missense variant. On other transcripts: non-coding transcript variant (5).
Genome position (GRCh38, 1-based): chr9:120,539,136, C>T on the plus strand (G>A on the coding strand, the complement: CDK5RAP2 is on the minus strand). VCF-style: chr9-120539136-C-T. GRCh37 (hg19) VCF-style: chr9-123301414-C-T.
Other names: c.412G>A, p.Gly138Ser (NM_001011649.3, NM_001272039.2); short protein forms G138S.
Identifiers: ClinVar variation 379320 (VCV000379320.58), dbSNP rs61756286, ClinGen allele CA5214736.
Genomic context (GRCh38, chr9:120,539,136, plus strand): 5'-CTTCCACCTGCTGCACCTTCTTTCGAGCATCTTCTTTCACCCGCTGGATTTCAGAGCCAC[C>T]TGCTTCAGCTAAGCTCTCAACTGCTTTGCTGCAAAAAGAGGCACAGGGGTAAAACATGCA-3'
Protein context (NP_060719.4, residues 128-148): SKAVESLAEA[Gly138Ser]GSEIQRVKED